The following is an entry in ClinVar:

ClinVar aggregate classification (germline): Pathogenic. Review status: criteria provided, multiple submitters, no conflicts (2 of 4 stars). 2 submissions from 2 submitters: Pathogenic (2). Last evaluated 2024-12-24.

Conditions:
Fetal akinesia deformation sequence 1 (FADS1). Also called: Fetal akinesia sequence; Pena-Shokeir syndrome type I. Identifiers: Orphanet 994, MedGen C1276035, MONDO:0100101, OMIM 208150, HP:0001989.
Congenital myasthenic syndrome 10. Also called: Myasthenia, limb-girdle, familial. Identifiers: Orphanet 590, MedGen C1850792, MONDO:0009690, OMIM 254300.
Fetal akinesia deformation sequence 3. Identifiers: MedGen C4760599, MONDO:0100103, OMIM 618389.

gnomAD v4.1: 3 of 1,612,024 alleles (0.00019%); highest among the groups gnomAD compares: Non-Finnish European, 0.00025%; no homozygotes.

Submissions (2):

Labcorp Genetics (formerly Invitae), Labcorp
Classification: Pathogenic for Congenital myasthenic syndrome 10; Fetal akinesia deformation sequence 1. Last evaluated: 2024-12-24. Review status: criteria provided, single submitter. Criteria: Invitae Variant Classification Sherloc (09022015). Collection method: clinical testing. Allele origin: germline.
Comment: This sequence change creates a premature translational stop signal (p.Cys412*) in the DOK7 gene. While this is not anticipated to result in nonsense mediated decay, it is expected to disrupt the last 93 amino acid(s) of the DOK7 protein. The frequency data for this variant in the population databases is considered unreliable, as metrics indicate poor data quality at this position in the gnomAD database. This premature translational stop signal has been observed in individual(s) with congenital myasthenic syndrome (PMID: 28716243). In at least one individual the data is consistent with being in trans (on the opposite chromosome) from a pathogenic variant. It has also been observed to segregate with disease in related individuals. ClinVar contains an entry for this variant (Variation ID: 2925372). This variant disrupts a region of the DOK7 protein in which other variant(s) (p.Pro486Argfs*15) have been determined to be pathogenic (PMID: 29118959). This suggests that this is a clinically significant region of the protein, and that variants that disrupt it are likely to be disease-causing. For these reasons, this variant has been classified as Pathogenic.

Baylor Genetics
Classification: Pathogenic for Fetal akinesia deformation sequence 3. Last evaluated: 2024-01-01. Review status: criteria provided, single submitter. Criteria: ACMG Guidelines, 2015. Collection method: clinical testing. Allele origin: unknown.

Literature cited by the submitters: PubMed 28716243 (cited by Labcorp Genetics (formerly Invitae), Labcorp); PubMed 29118959 (cited by Labcorp Genetics (formerly Invitae), Labcorp).

NM_173660.5(DOK7):c.1236C>A (p.Cys412Ter)

Gene: DOK7 (docking protein 7; plus strand). Cytogenetic location: 4p16.3.
Variant type: single nucleotide variant.
Coding change: c.1236C>A on transcript NM_173660.5 (MANE Select); coding-DNA position 1236, C replaced by A.
Protein change: p.Cys412Ter; replaces cysteine 412 with a stop codon.
Molecular consequence: nonsense. On other transcripts: 3 prime UTR variant (1).
Genome position (GRCh38, 1-based): chr4:3,493,222, C>A. VCF-style: chr4-3493222-C-A. GRCh37 (hg19) VCF-style: chr4-3494949-C-A.
Other names: c.*457C>A (NM_001164673.2); c.306C>A, p.Cys102Ter (NM_001256896.2); c.1236C>A, p.Cys412Ter (NM_001301071.2); c.804C>A, p.Cys268Ter (NM_001363811.2); short protein forms C102*, C268*, C412*.
Identifiers: ClinVar variation 2925372 (VCV002925372.4), dbSNP rs556834250, ClinGen allele CA356117608.